The following is an entry in ClinVar:

ClinVar aggregate classification (germline): Uncertain significance. Review status: criteria provided, multiple submitters, no conflicts (2 of 4 stars). 5 submissions from 5 submitters: Uncertain significance (5). Last evaluated 2026-04-11.

Conditions:
Hereditary nonpolyposis colorectal neoplasms. Identifiers: MedGen C0009405, MeSH D003123.
Hereditary cancer-predisposing syndrome. Also called: Hereditary Cancer Syndrome; Tumor predisposition; Hereditary neoplastic syndrome; Neoplastic Syndromes, Hereditary. Identifiers: Orphanet 140162, MedGen C0027672, MeSH D009386, MONDO:0015356.
Lynch syndrome. Identifiers: Orphanet 144, MedGen C4552100, MONDO:0005835. Disease mechanism: loss of function.

Allele frequency attached by ClinVar (database versions not stated): gnomAD exomes below 0.00001.
gnomAD v4.1: 3 of 1,613,770 alleles (0.00019%); highest among the groups gnomAD compares: African/African-American, 0.0013%; no homozygotes.

Submissions (5):

Ambry Genetics
Classification: Uncertain significance for Hereditary cancer-predisposing syndrome. Last evaluated: 2026-04-11. Review status: criteria provided, single submitter. Criteria: Ambry Variant Classification Scheme 2023. Collection method: clinical testing. Allele origin: germline.

Labcorp Genetics (formerly Invitae), Labcorp
Classification: Uncertain significance for Hereditary nonpolyposis colorectal neoplasms. Last evaluated: 2024-12-08. Review status: criteria provided, single submitter. Criteria: Invitae Variant Classification Sherloc (09022015). Collection method: clinical testing. Allele origin: germline.
Comment: This sequence change replaces isoleucine, which is neutral and non-polar, with threonine, which is neutral and polar, at codon 856 of the MSH6 protein (p.Ile856Thr). This variant is not present in population databases (gnomAD no frequency). This variant has not been reported in the literature in individuals affected with MSH6-related conditions. ClinVar contains an entry for this variant (Variation ID: 419753). Invitae Evidence Modeling of protein sequence and biophysical properties (such as structural, functional, and spatial information, amino acid conservation, physicochemical variation, residue mobility, and thermodynamic stability) indicates that this missense variant is not expected to disrupt MSH6 protein function with a negative predictive value of 95%. In summary, the available evidence is currently insufficient to determine the role of this variant in disease. Therefore, it has been classified as a Variant of Uncertain Significance.

Color Diagnostics, LLC DBA Color Health
Classification: Uncertain significance for Hereditary cancer-predisposing syndrome. Last evaluated: 2024-03-06. Review status: criteria provided, single submitter. Criteria: ACMG Guidelines, 2015. Collection method: clinical testing. Allele origin: germline.
Comment: This missense variant replaces isoleucine with threonine at codon 856 of the MSH6 protein. Computational prediction suggests that this variant may not impact protein structure and function (internally defined REVEL score threshold <= 0.5, PMID: 27666373). To our knowledge, functional studies have not been reported for this variant. This variant has not been reported in individuals affected with MSH6-related disorders in the literature. This variant has not been identified in the general population by the Genome Aggregation Database (gnomAD). The available evidence is insufficient to determine the role of this variant in disease conclusively. Therefore, this variant is classified as a Variant of Uncertain Significance.

All of Us Research Program, National Institutes of Health
Classification: Uncertain significance for Lynch syndrome. Last evaluated: 2023-10-06. Review status: criteria provided, single submitter. Criteria: ACMG Guidelines, 2015. Collection method: clinical testing. Allele origin: germline. Inheritance: Autosomal dominant inheritance. Observed: 1 variant allele, 1 heterozygote.
Comment: This missense variant replaces isoleucine with threonine at codon 856 of the MSH6 protein. Computational prediction tools and conservation analyses are inconclusive regarding the impact of this variant on the protein function. Computational splicing tools suggest that this variant may not impact RNA splicing. To our knowledge, functional assays have not been performed for this variant nor has this variant been reported in individuals affected with hereditary cancer in the literature. This variant has not been identified in the general population by the Genome Aggregation Database (gnomAD). Available evidence is insufficient to determine the role of this variant in disease conclusively. Therefore, this variant is classified as a Variant of Uncertain Significance.

This study involves interpretation of variants in research participants for the purpose of population health screening. Participant phenotype was not available at the time of variant classification. Additional details can be found in publication PMID: 35346344, PMCID: PMC8962531

GeneDx
Classification: Uncertain significance. Last evaluated: 2015-08-21. Review status: criteria provided, single submitter. Criteria: GeneDx Variant Classification (06012015). Collection method: clinical testing. Allele origin: germline. Affected: yes.
Comment: This variant is denoted MSH6 c.2567T>C at the cDNA level, p.Ile856Thr (I856T) at the protein level, and results in the change of an Isoleucine to a Threonine (ATT>ACT). This variant has not, to our knowledge, been published in the literature as pathogenic or benign. MSH6 Ile856Thr was not observed in approximately 6,500 individuals of European and African American ancestry in the NHLBI Exome Sequencing Project, indicating it is not a common benign variant in these populations. Since Isoleucine and Threonine differ in polarity, charge, size or other properties, this is considered a non-conservative amino acid substitution. MSH6 Ile856Thr occurs at a position that is not conserved and is located within domain III of the MutS domain (Terui 2013). In silico analyses are inconsistent regarding the effect this variant may have on protein structure and function. Based on currently available information, it is unclear whether MSH6 Ile856Thr is pathogenic or benign. We consider it to be a variant of uncertain significance.

NM_000179.3(MSH6):c.2567T>C (p.Ile856Thr)

Gene: MSH6 (mutS homolog 6; plus strand). Cytogenetic location: 2p16.3.
Variant type: single nucleotide variant.
Coding change: c.2567T>C on transcript NM_000179.3 (MANE Select); coding-DNA position 2567, T replaced by C.
Protein change: p.Ile856Thr; replaces isoleucine 856 with threonine.
Molecular consequence: missense variant.
Genome position (GRCh38, 1-based): chr2:47,800,550, T>C. VCF-style: chr2-47800550-T-C. GRCh37 (hg19) VCF-style: chr2-48027689-T-C.
Other names: c.2177T>C, p.Ile726Thr (NM_001281492.2); c.1661T>C, p.Ile554Thr (NM_001281493.2, NM_001281494.2); short protein forms I856T, I726T, I554T.
Identifiers: ClinVar variation 419753 (VCV000419753.22), dbSNP rs1064794084, ClinGen allele CA16617677.